The following is an entry in ClinVar:

ClinVar aggregate classification (germline): Likely benign. Review status: criteria provided, multiple submitters, no conflicts (2 of 4 stars). 2 submissions from 2 submitters: Likely benign (2). Last evaluated 2025-12-13.

Conditions:
Koolen-de Vries syndrome (KDVS). Identifiers: Orphanet 96169, MedGen C1864871, MONDO:0012496, OMIM 610443.

Allele frequency attached by ClinVar (database versions not stated): gnomAD exomes below 0.00001; gnomAD 0.00001; TOPMed 0.00002.
gnomAD v4.1: 3 of 1,614,048 alleles (0.00019%); highest among the groups gnomAD compares: African/African-American, 0.004%; no homozygotes.

Submissions (2):

Labcorp Genetics (formerly Invitae), Labcorp
Classification: Likely benign for Koolen-de Vries syndrome. Last evaluated: 2025-12-13. Review status: criteria provided, single submitter. Criteria: Invitae Variant Classification Sherloc (09022015). Collection method: clinical testing. Allele origin: germline.

GeneDx
Classification: Likely benign. Last evaluated: 2016-08-10. Review status: criteria provided, single submitter. Criteria: GeneDx Variant Classification (06012015). Collection method: clinical testing. Allele origin: germline. Affected: yes.
Comment: This variant is considered likely benign or benign based on one or more of the following criteria: it is a conservative change, it occurs at a poorly conserved position in the protein, it is predicted to be benign by multiple in silico algorithms, and/or has population frequency not consistent with disease.

NM_015443.4(KANSL1):c.2677G>A (p.Val893Ile)

Gene: KANSL1 (KAT8 regulatory NSL complex subunit 1). Cytogenetic location: 17q21.31.
Variant type: single nucleotide variant.
Coding change: c.2677G>A on transcript NM_015443.4 (MANE Select); coding-DNA position 2677, G replaced by A.
Protein change: p.Val893Ile; replaces valine 893 with isoleucine.
Molecular consequence: missense variant.
Genome position (GRCh38, 1-based): chr17:46,033,450, C>T on the plus strand (G>A on the coding strand, the complement: KANSL1 is on the minus strand). VCF-style: chr17-46033450-C-T. GRCh37 (hg19) VCF-style: chr17-44110816-C-T.
Other names: c.2674G>A, p.Val892Ile (NM_001193465.2); c.2677G>A, p.Val893Ile (NM_001193466.2, NM_001379198.1); short protein forms V893I, V892I.
Identifiers: ClinVar variation 388523 (VCV000388523.6), dbSNP rs1057523139, ClinGen allele CA16607658.